The following is an entry in ClinVar:

ClinVar aggregate classification (germline): Benign. Review status: criteria provided, multiple submitters, no conflicts (2 of 4 stars). 3 submissions from 3 submitters: Benign (3). Last evaluated 2019-04-24.

Conditions:
X-linked lymphoproliferative disease due to SH2D1A deficiency (XLP1). Also called: EBV infection severe susceptibility to; Epstein Barr virus infection familial fatal; Duncan's syndrome; DUNCAN DISEASE; IMMUNODEFICIENCY 5; IMMUNODEFICIENCY, X-LINKED PROGRESSIVE COMBINED VARIABLE. Identifiers: Orphanet 2442, Orphanet 538931, MedGen C5399825, MONDO:0024551, OMIM 308240.

Allele frequency attached by ClinVar (database versions not stated): 1000 Genomes Project 0.06278; gnomAD 0.06359 and 0.05936; gnomAD exomes 0.00801; 1000 Genomes Project 30x 0.06826; TOPMed 0.07011.
gnomAD v4.1: 7,733 of 270,376 alleles (2.9%); highest among the groups gnomAD compares: African/African-American, 20%; 574 homozygotes.

Submissions (3):

GeneDx
Classification: Benign. Last evaluated: 2019-04-24. Review status: criteria provided, single submitter. Criteria: GeneDx Variant Classification Process June 2021. Collection method: clinical testing. Allele origin: germline. Affected: yes.

Illumina Laboratory Services, Illumina
Classification: Benign for X-linked lymphoproliferative disease due to SH2D1A deficiency. Last evaluated: 2017-04-27. Review status: criteria provided, single submitter. Criteria: ICSL Variant Classification Criteria 13 December 2019. Collection method: clinical testing. Allele origin: germline.
Comment: This variant was observed as part of a predisposition screen in an ostensibly healthy population. A literature search was performed for the gene, cDNA change, and amino acid change (where applicable). No publications were found based on this search. Allele frequency data from public databases was too high to be consistent with this variant causing disease. Therefore, this variant is classified as benign.

Breakthrough Genomics
Classification: Benign. Review status: criteria provided, single submitter. Criteria: ACMG Guidelines, 2015. Collection method: not provided. Allele origin: germline. Inheritance: X-linked inheritance. Affected: yes.

NM_002351.5(SH2D1A):c.*212G>A

Gene: SH2D1A (SH2 domain containing 1A; plus strand). Cytogenetic location: Xq25.
Variant type: single nucleotide variant.
Coding change: c.*212G>A on transcript NM_002351.5 (MANE Select); 212 bases downstream of the stop codon, G replaced by A.
Molecular consequence: 3 prime UTR variant.
Genome position (GRCh38, 1-based): chrX:124,371,603, G>A. VCF-style: chrX-124371603-G-A. GRCh37 (hg19) VCF-style: chrX-123505453-G-A.
Other names: c.*212G>A (NM_001114937.3).
Identifiers: ClinVar variation 367876 (VCV000367876.9), dbSNP rs5958475, ClinGen allele CA10653775.
Genomic context (GRCh38, chrX:124,371,603, plus strand): 5'-GAAATGGACTTTTGTACATAGTGAGGAGCTTTGAAACGAGGATTGGGAAAAAGTAATTCC[G>A]TAGGTTATTTTCAGTTATTATATTTACAAATGGGAAACAAAAGGATAATGAATACTTTAT-3'